The following is an entry in ClinVar:

NM_001384900.1(SEMA3D):c.711G>C (p.Trp237Cys)

Gene: SEMA3D (semaphorin 3D; minus strand). Cytogenetic location: 7q21.11.
Variant type: single nucleotide variant.
Coding change: c.711G>C on transcript NM_001384900.1 (MANE Select); coding-DNA position 711, G replaced by C.
Protein change: p.Trp237Cys; replaces tryptophan 237 with cysteine.
Molecular consequence: missense variant.
Genome position (GRCh38, 1-based): chr7:85,065,431, C>G on the plus strand (G>C on the coding strand, the complement: SEMA3D is on the minus strand). VCF-style: chr7-85065431-C-G. GRCh37 (hg19) VCF-style: chr7-84694747-C-G.
Other names: c.711G>C, p.Trp237Cys (NM_001384901.1, NM_001384902.1, NM_001384903.1 and 1 more transcripts); short protein forms W237C.
Identifiers: ClinVar variation 5000625 (VCV005000625.1).
Genomic context (GRCh38, chr7:85,065,431, plus strand): 5'-CTATCTTAAACCAAAGCAAGACAATCAAAAGTAAACAAAAAAAAATCACAAACCATTGAG[C>G]CAGTAGTGCTCTGAAATGTCAGTTCTGATGTAGTGGTGGTCATGAGTAGGCCCAAGGGAT-3'
Protein context (NP_001371829.1, residues 227-247): YIRTDISEHY[Trp237Cys]LNGAKFIGTF

ClinVar aggregate classification (germline): Uncertain significance (1 of 4 stars; one submission).

Conditions:
SEMA3D-related disorder. Also called: SEMA3D-related condition.

gnomAD v4.1: 1 of 1,613,012 alleles (0.000062%); highest among the groups gnomAD compares: Non-Finnish European, 0.000085%; no homozygotes.

Submission:

PreventionGenetics, part of Exact Sciences
Classification: Uncertain significance for SEMA3D-related condition. Last evaluated: 2024-12-26. Review status: criteria provided, single submitter. Criteria: ACMG Guidelines, 2015. Collection method: clinical testing. Allele origin: germline.
Comment: The SEMA3D c.711G>C variant is predicted to result in the amino acid substitution p.Trp237Cys. To our knowledge, this variant has not been reported in the literature or in a large population database (gnomAD), indicating this variant is rare. At this time, the clinical significance of this variant is uncertain due to the absence of conclusive functional and genetic evidence.